The following is an entry in ClinVar:

NM_001122630.2(CDKN1C):c.585G>C (p.Pro195=)

Gene: CDKN1C (cyclin dependent kinase inhibitor 1C; minus strand). Cytogenetic location: 11p15.4.
Variant type: single nucleotide variant.
Coding change: c.585G>C on transcript NM_001122630.2 (MANE Select); coding-DNA position 585, G replaced by C.
Protein change: p.Pro195=; no amino-acid change (proline 195 retained).
Molecular consequence: synonymous variant. On other transcripts: intron variant (1).
Genome position (GRCh38, 1-based): chr11:2,884,872, C>G on the plus strand (G>C on the coding strand, the complement: CDKN1C is on the minus strand). VCF-style: chr11-2884872-C-G. GRCh37 (hg19) VCF-style: chr11-2906102-C-G.
Other names: c.618G>C, p.Pro206= (NM_000076.2, NM_001362474.2); c.585G>C, p.Pro195= (NM_001122631.2); c.255+330G>C (NM_001362475.2).
Identifiers: ClinVar variation 1583775 (VCV001583775.31), dbSNP rs1060503858, ClinGen allele CA472832313.

ClinVar aggregate classification (germline): Likely benign. Review status: criteria provided, multiple submitters, no conflicts (2 of 4 stars). 4 submissions from 4 submitters: Likely benign (4). Last evaluated 2026-07-01.

Conditions:
Beckwith-Wiedemann syndrome (BWS). Also called: EMG SYNDROME; Exomphalos macroglossia gigantism syndrome. Identifiers: Orphanet 116, MedGen C0004903, MONDO:0007534, OMIM 130650.

Submissions (4):

CeGaT Center for Human Genetics Tuebingen
Classification: Likely benign. Last evaluated: 2026-07-01. Review status: criteria provided, single submitter. Criteria: CeGaT Center For Human Genetics Tuebingen Variant Classification Criteria Version 2. Collection method: clinical testing. Allele origin: germline. Affected: yes. Observed: 6 variant alleles.
Comment: CDKN1C: BP4, BP7

Blueprint Genetics
Classification: Likely benign. Last evaluated: 2024-07-03. Review status: criteria provided, single submitter. Criteria: ACMG Guidelines, 2015. Collection method: clinical testing. Allele origin: germline.

Labcorp Genetics (formerly Invitae), Labcorp
Classification: Likely benign for Beckwith-Wiedemann syndrome. Last evaluated: 2024-03-16. Review status: criteria provided, single submitter. Criteria: Invitae Variant Classification Sherloc (09022015). Collection method: clinical testing. Allele origin: germline.

Breakthrough Genomics
Classification: Likely benign. Review status: criteria provided, single submitter. Criteria: ACMG Guidelines, 2015. Collection method: not provided. Allele origin: germline. Inheritance: Autosomal dominant inheritance. Affected: yes.